The following is an entry in ClinVar:

NM_020754.4(ARHGAP31):c.2323G>A (p.Gly775Ser)

Gene: ARHGAP31 (Rho GTPase activating protein 31; plus strand). Cytogenetic location: 3q13.33.
Variant type: single nucleotide variant.
Coding change: c.2323G>A on transcript NM_020754.4 (MANE Select); coding-DNA position 2323, G replaced by A.
Protein change: p.Gly775Ser; replaces glycine 775 with serine.
Molecular consequence: missense variant.
Genome position (GRCh38, 1-based): chr3:119,414,252, G>A. VCF-style: chr3-119414252-G-A. GRCh37 (hg19) VCF-style: chr3-119133099-G-A.
Other names: c.2323G>A (NM_020754.3); short protein forms G775S.
Identifiers: ClinVar variation 288159 (VCV000288159.16), dbSNP rs147415811, ClinGen allele CA2554008.

ClinVar aggregate classification (germline): Conflicting classifications of pathogenicity. Review status: criteria provided, conflicting classifications (1 of 4 stars). 6 submissions from 6 submitters: Uncertain significance (2); Likely benign (3). 1 of the submissions does not count toward it. Last evaluated 2024-12-23.

Conditions:
ARHGAP31-related disorder. Also called: ARHGAP31-related condition.
Adams-Oliver syndrome 1 (AOS1). Also called: APLASIA CUTIS CONGENITA WITH TERMINAL TRANSVERSE LIMB DEFECTS; ABSENCE DEFECT OF LIMBS, SCALP, AND SKULL; CONGENITAL SCALP DEFECTS WITH DISTAL LIMB REDUCTION ANOMALIES. Identifiers: Orphanet 974, MedGen C4551482, MONDO:0024506, OMIM 100300.

Allele frequency attached by ClinVar (database versions not stated): gnomAD exomes 0.00004 and 0.00007; ExAC 0.00010; gnomAD 0.00021 and 0.00022; ESP Exome Variant Server 0.00025; TOPMed 0.00025; 1000 Genomes Project 30x 0.00047; 1000 Genomes Project 0.00060.
gnomAD v4.1: 99 of 1,614,180 alleles (0.0061%); highest among the groups gnomAD compares: Middle Eastern, 0.099%; no homozygotes.

Submissions (6):

Labcorp Genetics (formerly Invitae), Labcorp
Classification: Likely benign. Last evaluated: 2024-12-23. Review status: criteria provided, single submitter. Criteria: Invitae Variant Classification Sherloc (09022015). Collection method: clinical testing. Allele origin: germline.

Blueprint Genetics
Classification: Likely benign. Last evaluated: 2024-10-15. Review status: criteria provided, single submitter. Criteria: ACMG Guidelines, 2015. Collection method: clinical testing. Allele origin: germline.

Department of Pathology and Laboratory Medicine, Sinai Health System
Classification: Likely benign for Adams-Oliver syndrome 1. Last evaluated: 2021-11-02. Review status: criteria provided, single submitter. Criteria: ACMG Guidelines, 2015. Collection method: research. Allele origin: germline.

Revvity Omics, Revvity
Classification: Uncertain significance for Adams-Oliver syndrome 1. Last evaluated: 2020-06-06. Review status: criteria provided, single submitter. Criteria: ACMG Guidelines, 2015. Collection method: clinical testing. Allele origin: germline.

Eurofins Ntd Llc (ga)
Classification: Uncertain significance. Last evaluated: 2016-06-14. Review status: criteria provided, single submitter. Criteria: EGL Classification Definitions 2015. Collection method: clinical testing. Allele origin: germline. Observed: 1 variant allele, 1 heterozygote.

PreventionGenetics, part of Exact Sciences
Classification: Likely benign for ARHGAP31-related condition. Last evaluated: 2022-05-06. Review status: no assertion criteria provided. Collection method: clinical testing. Allele origin: germline. Not counted in ClinVar's aggregate classification.
Comment: This variant is classified as likely benign based on ACMG/AMP sequence variant interpretation guidelines (Richards et al. 2015 PMID: 25741868, with internal and published modifications).